The following is an entry in ClinVar:

ClinVar aggregate classification (germline): Uncertain significance (1 of 4 stars; one submission).

Submission:

Labcorp Genetics (formerly Invitae), Labcorp
Classification: Uncertain significance. Last evaluated: 2023-10-22. Review status: criteria provided, single submitter. Criteria: Invitae Variant Classification Sherloc (09022015). Collection method: clinical testing. Allele origin: germline.
Comment: This sequence change replaces leucine, which is neutral and non-polar, with glutamine, which is neutral and polar, at codon 479 of the CTNNA1 protein (p.Leu479Gln). This variant is not present in population databases (gnomAD no frequency). This variant has not been reported in the literature in individuals affected with CTNNA1-related conditions. Advanced modeling of protein sequence and biophysical properties (such as structural, functional, and spatial information, amino acid conservation, physicochemical variation, residue mobility, and thermodynamic stability) performed at Invitae indicates that this missense variant is not expected to disrupt CTNNA1 protein function. In summary, the available evidence is currently insufficient to determine the role of this variant in disease. Therefore, it has been classified as a Variant of Uncertain Significance.

NM_001903.5(CTNNA1):c.1436T>A (p.Leu479Gln)

Gene: CTNNA1 (catenin alpha 1; plus strand). Cytogenetic location: 5q31.2.
Variant type: single nucleotide variant.
Coding change: c.1436T>A on transcript NM_001903.5 (MANE Select); coding-DNA position 1436, T replaced by A.
Protein change: p.Leu479Gln; replaces leucine 479 with glutamine.
Molecular consequence: missense variant. On other transcripts: 5 prime UTR variant (5).
Genome position (GRCh38, 1-based): chr5:138,917,788, T>A. VCF-style: chr5-138917788-T-A. GRCh37 (hg19) VCF-style: chr5-138253477-T-A.
Other names: c.1436T>A, p.Leu479Gln (NM_001290307.3, NM_001323982.2, NM_001323983.1 and 2 more transcripts); c.1127T>A, p.Leu376Gln (NM_001290309.3); c.1067T>A, p.Leu356Gln (NM_001290310.3); c.326T>A, p.Leu109Gln (NM_001290312.1, NM_001323987.1, NM_001323988.1 and 17 more transcripts); c.1343T>A, p.Leu448Gln (NM_001323986.2); c.-14T>A (NM_001324006.1, NM_001324007.1, NM_001324008.1 and 2 more transcripts); c.233T>A, p.Leu78Gln (NM_001324011.1); c.83T>A, p.Leu28Gln (NM_001324012.1, NM_001324013.1); short protein forms L28Q, L376Q, L448Q, L109Q, L356Q, L479Q, L78Q.
Identifiers: ClinVar variation 2770874 (VCV002770874.3), dbSNP rs2533588686, ClinGen allele CA361137177.